The following is an entry in ClinVar:

ClinVar aggregate classification (germline): Uncertain significance. Review status: criteria provided, multiple submitters, no conflicts (2 of 4 stars). 2 submissions from 2 submitters: Uncertain significance (2). Last evaluated 2022-03-13.

Conditions:
Genetic developmental and epileptic encephalopathy. Identifiers: MedGen CN379639, MONDO:0100062.
Febrile seizures, familial, 8 (FEB8). Also called: CONVULSIONS, FAMILIAL FEBRILE, 8. Identifiers: Orphanet 36387, MedGen C1969810, MONDO:0011891, OMIM 607681.
EPILEPSY, CHILDHOOD ABSENCE, SUSCEPTIBILITY TO, 2 (ECA2). Identifiers: Orphanet 64280, MedGen C1843244, OMIM 607681.

Allele frequency attached by ClinVar (database versions not stated): gnomAD exomes below 0.00001.
gnomAD v4.1: 1 of 1,613,946 alleles (0.000062%); highest among the groups gnomAD compares: Middle Eastern, 0.016%; no homozygotes.

Submissions (2):

Labcorp Genetics (formerly Invitae), Labcorp
Classification: Uncertain significance for Febrile seizures, familial, 8; EPILEPSY, CHILDHOOD ABSENCE, SUSCEPTIBILITY TO, 2. Last evaluated: 2022-03-13. Review status: criteria provided, single submitter. Criteria: Invitae Variant Classification Sherloc (09022015). Collection method: clinical testing. Allele origin: germline.
Comment: In summary, the available evidence is currently insufficient to determine the role of this variant in disease. Therefore, it has been classified as a Variant of Uncertain Significance. Advanced modeling of protein sequence and biophysical properties (such as structural, functional, and spatial information, amino acid conservation, physicochemical variation, residue mobility, and thermodynamic stability) performed at Invitae indicates that this missense variant is expected to disrupt GABRG2 protein function. This variant has not been reported in the literature in individuals affected with GABRG2-related conditions. This variant is present in population databases (no rsID available, gnomAD 0.0009%). This sequence change replaces threonine, which is neutral and polar, with isoleucine, which is neutral and non-polar, at codon 279 of the GABRG2 protein (p.Thr279Ile).

Cambridge Genomics Laboratory, East Genomic Laboratory Hub, NHS Genomic Medicine Service
Classification: Uncertain significance for Genetic developmental and epileptic encephalopathy. Last evaluated: 2019-04-17. Review status: criteria provided, single submitter. Criteria: ACGS Best Practice Guidelines for Variant Classification in Rare Disease 2020. Collection method: clinical testing. Allele origin: germline. Affected: yes. Observed: 1 variant allele.

NM_198904.4(GABRG2):c.836C>T (p.Thr279Ile)

Gene: GABRG2 (gamma-aminobutyric acid type A receptor subunit gamma2; plus strand). Cytogenetic location: 5q34.
Variant type: single nucleotide variant.
Coding change: c.836C>T on transcript NM_198904.4 (MANE Select); coding-DNA position 836, C replaced by T.
Protein change: p.Thr279Ile; replaces threonine 279 with isoleucine.
Molecular consequence: missense variant.
Genome position (GRCh38, 1-based): chr5:162,142,230, C>T. VCF-style: chr5-162142230-C-T. GRCh37 (hg19) VCF-style: chr5-161569236-C-T.
Other names: c.836C>T, p.Thr279Ile (NM_000816.3, NM_001375340.1); c.827C>T, p.Thr276Ile (NM_001375339.1); c.833C>T, p.Thr278Ile (NM_001375341.1, NM_001375342.1); c.956C>T, p.Thr319Ile (NM_001375343.1, NM_198903.2); c.875C>T, p.Thr292Ile (NM_001375344.1); c.770C>T, p.Thr257Ile (NM_001375345.1, NM_001375346.1); c.749C>T, p.Thr250Ile (NM_001375347.1); c.416C>T, p.Thr139Ile (NM_001375348.1, NM_001375350.1); and 1 more; short protein forms T250I, T139I, T184I, T278I, T292I, T257I, T319I, T276I.
Identifiers: ClinVar variation 1393902 (VCV001393902.9), dbSNP rs1254425203, ClinGen allele CA362182092.